The following is an entry in ClinVar:

NM_003356.4(UCP3):c.855C>T (p.Ser285=)

Gene: UCP3 (uncoupling protein 3; minus strand). Cytogenetic location: 11q13.4.
Variant type: single nucleotide variant.
Coding change: c.855C>T on transcript NM_003356.4 (MANE Select); coding-DNA position 855, C replaced by T.
Protein change: p.Ser285=; no amino-acid change (serine 285 retained).
Molecular consequence: synonymous variant.
Genome position (GRCh38, 1-based): chr11:74,001,496, G>A on the plus strand (C>T on the coding strand, the complement: UCP3 is on the minus strand). VCF-style: chr11-74001496-G-A. GRCh37 (hg19) VCF-style: chr11-73712541-G-A.
Identifiers: ClinVar variation 4989730 (VCV004989730.1).
Genomic context (GRCh38, chr11:74,001,496, plus strand): 5'-CTGGACTTTCATCAGGGCCCGTTTCAGCTGCTCATAGGTTACGAACATCACCACGTTCCA[G>A]GATCCCAAACGCAAAAAGGAGGGTGTAAATCTGATAAGAAAAACAACCAACACATCAGGT-3'
Protein context (NP_003347.1, residues 275-295): GFTPSFLRLG[Ser285=]WNVVMFVTYE

ClinVar aggregate classification (germline): Likely benign (1 of 4 stars; one submission).

Conditions:
UCP3-related disorder. Also called: UCP3-related condition.

gnomAD v4.1: 3 of 1,613,960 alleles (0.00019%); highest among the groups gnomAD compares: Admixed American, 0.0033%; no homozygotes.

Submission:

PreventionGenetics, part of Exact Sciences
Classification: Likely benign for UCP3-related condition. Last evaluated: 2025-02-05. Review status: criteria provided, single submitter. Criteria: ACMG Guidelines, 2015. Collection method: clinical testing. Allele origin: germline.
Comment: This variant is classified as likely benign based on ACMG/AMP sequence variant interpretation guidelines (Richards et al. 2015 PMID: 25741868, with internal and published modifications).